The following is an entry in ClinVar:

NM_000370.3(TTPA):c.19del (p.Gln7fs)

Gene: TTPA (alpha tocopherol transfer protein; minus strand). Cytogenetic location: 8q12.3.
Variant type: Deletion.
Coding change: c.19del on transcript NM_000370.3 (MANE Select); coding-DNA position 19, one base deleted (C; older notation c.19delC).
Protein change: p.Gln7fs; shifts the reading frame from glutamine 7.
Molecular consequence: frameshift variant.
Genome position (GRCh38, 1-based): chr8:63,086,003, G deleted on the plus strand (C on the coding strand, the reverse complement: TTPA is on the minus strand); the first of 3 consecutive G bases (chr8:63,086,003-63,086,005); deleting any one gives the same sequence. VCF-style (leftmost placement, unchanged base first): chr8-63086002-TG-T. GRCh37 (hg19) VCF-style: chr8-63998561-TG-T.
Other names: c.19delC (NM_000370.3); short protein forms Q7fs.
Identifiers: ClinVar variation 208623 (VCV000208623.17), dbSNP rs760014795, ClinGen allele CA276025.

ClinVar aggregate classification (germline): Pathogenic/Likely pathogenic. Review status: criteria provided, multiple submitters, no conflicts (2 of 4 stars). 4 submissions from 4 submitters: Pathogenic (3); Likely pathogenic (1). Last evaluated 2026-01-17.

Conditions:
Inborn genetic diseases. Identifiers: MedGen C0950123, MeSH D030342.
Familial isolated deficiency of vitamin E (AVED). Also called: ATAXIA, FRIEDREICH-LIKE, WITH SELECTIVE VITAMIN E DEFICIENCY; Ataxia with isolated vitamin E deficiency. Identifiers: Orphanet 96, MedGen C1848533, MONDO:0010188, OMIM 277460.

Submissions (4):

Labcorp Genetics (formerly Invitae), Labcorp
Classification: Pathogenic. Last evaluated: 2026-01-17. Review status: criteria provided, single submitter. Criteria: Invitae Variant Classification Sherloc (09022015). Collection method: clinical testing. Allele origin: germline.
Comment: This sequence change creates a premature translational stop signal (p.Gln7Serfs*64) in the TTPA gene. It is expected to result in an absent or disrupted protein product. Loss-of-function variants in TTPA are known to be pathogenic (PMID: 9463307, 26068213). This variant is present in population databases (rs760014795, gnomAD 0.09%). This variant has not been reported in the literature in individuals affected with TTPA-related conditions. ClinVar contains an entry for this variant (Variation ID: 208623). For these reasons, this variant has been classified as Pathogenic.

Natera, Inc.
Classification: Likely pathogenic for Ataxia with isolated vitamin E deficiency. Last evaluated: 2025-09-09. Review status: criteria provided, single submitter. Criteria: Natera Variant Classification Schema (03/2026). Collection method: clinical testing. Allele origin: germline.
Comment: The c.19delC variant in TTPA is a frameshift variant predicted to shift the reading frame beginning at codon 7 and leads to a stop codon 64 codons downstream. This variant is expected to result in nonsense mediated decay, truncation, or a dysfunctional protein product. This variant is rare in the general population with a frequency below the threshold expected for the associated phenotype(s). Given the available evidence, this variant is classified as Likely Pathogenic.

Ambry Genetics
Classification: Pathogenic for Inborn genetic diseases. Last evaluated: 2024-06-13. Review status: criteria provided, single submitter. Criteria: Ambry Variant Classification Scheme 2023. Collection method: clinical testing. Allele origin: germline.
Comment: The c.19delC (p.Q7Sfs*64) alteration, located in exon 1 (coding exon 1) of the TTPA gene, consists of a deletion of one nucleotide at position 19, causing a translational frameshift with a predicted alternate stop codon after 64 amino acids. This alteration is expected to result in loss of function by premature protein truncation or nonsense-mediated mRNA decay. Based on data from gnomAD, this allele has an overall frequency of 0.004% (6/135078) total alleles studied. The highest observed frequency was <0.001% (6/6848) of Ashkenazi Jewish alleles. Based on the available evidence, this alteration is classified as pathogenic.

Laboratory for Molecular Medicine, Mass General Brigham Personalized Medicine
Classification: Pathogenic for Ataxia with vitamin E deficiency. Last evaluated: 2014-12-22. Review status: criteria provided, single submitter. Criteria: LMM Criteria. Collection method: clinical testing. Allele origin: germline. Inheritance: Autosomal recessive inheritance. Observed: 1 variant allele. Study: CSER-MedSeq.
Comment: The p.Gln7SerfsX64 variant in TTPA has not been previously reported in individuals with disease but has been identified in 0.016% (1/6134) of European chromosomes by the Exome Aggregation Consortium (ExAC). Although this variant has been seen in the general population, its frequency is low enough to be consistent with a recessive carrier frequency. This variant is predicted to cause a frameshift, which alters the protein’s amino acid sequence beginning at position 7 and leads to a premature termination codon 64 amino acids downstream. This alteration is then predicted to lead to a truncated or absent protein. Homozygous or compound heterozygous loss of function variants in TTPA have been shown to cause ataxia with isolated vitamin E deficiency. In summary, this variant meets our criteria to be classified as pathogenic for ataxia with isolated vitamin E deficiency in an autosomal recessive manner.

Literature cited by the submitters: PubMed 9463307 (cited by Labcorp Genetics (formerly Invitae), Labcorp); PubMed 26068213 (cited by Labcorp Genetics (formerly Invitae), Labcorp).